The following is an entry in ClinVar:

NM_005245.4(FAT1):c.7539G>C (p.Glu2513Asp)

Gene: FAT1 (FAT atypical cadherin 1; minus strand). Cytogenetic location: 4q35.2.
Variant type: single nucleotide variant.
Coding change: c.7539G>C on transcript NM_005245.4 (MANE Select); coding-DNA position 7539, G replaced by C.
Protein change: p.Glu2513Asp; replaces glutamic acid 2513 with aspartic acid.
Molecular consequence: missense variant.
Genome position (GRCh38, 1-based): chr4:186,619,047, C>G on the plus strand (G>C on the coding strand, the complement: FAT1 is on the minus strand). VCF-style: chr4-186619047-C-G. GRCh37 (hg19) VCF-style: chr4-187540201-C-G.
Other names: c.7539G>C, p.Glu2513Asp (NM_001440455.1, NM_001440456.1, NM_001440457.1); short protein forms E2513D.
Identifiers: ClinVar variation 4979249 (VCV004979249.1).

ClinVar aggregate classification (germline): Uncertain significance (1 of 4 stars; one submission).

Conditions:
FAT1-related disorder. Also called: FAT1-related condition.

gnomAD v4.1: 6 of 1,614,008 alleles (0.00037%); highest among the groups gnomAD compares: East Asian, 0.0022%; no homozygotes.

Submission:

PreventionGenetics, part of Exact Sciences
Classification: Uncertain significance for FAT1-related condition. Last evaluated: 2024-10-18. Review status: criteria provided, single submitter. Criteria: ACMG Guidelines, 2015. Collection method: clinical testing. Allele origin: germline.
Comment: The FAT1 c.7539G>C variant is predicted to result in the amino acid substitution p.Glu2513Asp. To our knowledge, this variant has not been reported in the literature. This variant is reported in 0.0056% of alleles in individuals of East Asian descent in gnomAD. At this time, the clinical significance of this variant is uncertain due to the absence of conclusive functional and genetic evidence.